The following is an entry in ClinVar:

NM_032043.3(BRIP1):c.2429_2432dup (p.Pro812fs)

Gene: BRIP1 (BRCA1 interacting DNA helicase 1; minus strand). Cytogenetic location: 17q23.2.
Variant type: Duplication.
Coding change: c.2429_2432dup on transcript NM_032043.3 (MANE Select); coding-DNA positions 2429 to 2432, 4 bases duplicated (TTCT; older notation c.2429_2432dupTTCT).
Protein change: p.Pro812fs; shifts the reading frame from proline 812.
Molecular consequence: frameshift variant.
Genome position (GRCh38, 1-based): chr17:61,716,011-61,716,014, AGAA duplicated on the plus strand (TTCT on the coding strand, the reverse complement: BRIP1 is on the minus strand). VCF-style (leftmost placement, unchanged base first): chr17-61716010-T-TAGAA. GRCh37 (hg19) VCF-style: chr17-59793371-T-TAGAA.
Other names: short protein forms P812fs.
Identifiers: ClinVar variation 3382392 (VCV003382392.3).

ClinVar aggregate classification (germline): Likely pathogenic (1 of 4 stars; one submission).

Conditions:
Familial cancer of breast. Also called: BREAST CANCER, FAMILIAL; hereditary breast carcinoma; Hereditary breast cancer. Identifiers: Orphanet 227535, MedGen C0346153, MONDO:0016419, OMIM 114480. Disease mechanism: loss of function.
Fanconi anemia complementation group J. Also called: BRIP1-Related Fanconi Anemia. Identifiers: Orphanet 84, MedGen C1836860, MONDO:0012187, OMIM 609054.

Submission:

Juno Genomics, Hangzhou Juno Genomics, Inc
Classification: Likely pathogenic for Familial cancer of breast; Fanconi anemia complementation group J. Review status: criteria provided, single submitter. Criteria: ACMG Guidelines, 2015. Collection method: clinical testing. Allele origin: germline.
Comment: Absent from controls (or at extremely low frequency if recessive) in Genome Aggregation Database.;Null variant in a gene where loss of function (LOF) is a known mechanism of disease.